The following is an entry in ClinVar:

ClinVar aggregate classification (germline): Conflicting classifications of pathogenicity. Review status: criteria provided, conflicting classifications (1 of 4 stars). 4 submissions from 4 submitters: Uncertain significance (1); Likely benign (3). Last evaluated 2025-11-29.

Allele frequency attached by ClinVar (database versions not stated): gnomAD exomes 0.00014; ExAC 0.00017; gnomAD 0.00050 and 0.00053; TOPMed 0.00059; ESP Exome Variant Server 0.00085; 1000 Genomes Project 30x 0.00094; 1000 Genomes Project 0.00100.
gnomAD v4.1: 163 of 1,613,284 alleles (0.01%); highest among the groups gnomAD compares: African/African-American, 0.2%; no homozygotes.

Submissions (4):

Labcorp Genetics (formerly Invitae), Labcorp
Classification: Likely benign. Last evaluated: 2025-11-29. Review status: criteria provided, single submitter. Criteria: Invitae Variant Classification Sherloc (09022015). Collection method: clinical testing. Allele origin: germline.

Blueprint Genetics
Classification: Likely benign. Last evaluated: 2023-01-31. Review status: criteria provided, single submitter. Criteria: ACMG Guidelines, 2015. Collection method: clinical testing. Allele origin: germline.

GeneDx
Classification: Likely benign. Last evaluated: 2020-06-05. Review status: criteria provided, single submitter. Criteria: GeneDx Variant Classification Process June 2021. Collection method: clinical testing. Allele origin: germline. Affected: yes.

Laboratory for Molecular Medicine, Mass General Brigham Personalized Medicine
Classification: Uncertain significance. Last evaluated: 2017-05-05. Review status: criteria provided, single submitter. Criteria: LMM Criteria. Collection method: clinical testing. Allele origin: germline. Observed: 3 variant alleles.
Comment: Variant classified as Uncertain Significance - Favor Benign. This variant has been reported in ClinVar (Variation ID: 228517). Co mputational prediction tools and conservation analysis do not provide strong sup port for or against an impact to the protein. In summary, while the clinical sig nificance of the p.Thr287Ser variant is uncertain, its frequency suggests that i t is more likely to be benign.

NM_001006630.2(CHRM2):c.860C>G (p.Thr287Ser)

Genes: CHRM2 (cholinergic receptor muscarinic 2; plus strand), LOC349160 (uncharacterized LOC349160; minus strand). Cytogenetic location: 7q33.
Variant type: single nucleotide variant.
Coding change: c.860C>G on transcript NM_001006630.2 (MANE Select); coding-DNA position 860, C replaced by G.
Protein change: p.Thr287Ser; replaces threonine 287 with serine.
Molecular consequence: missense variant.
Genome position (GRCh38, 1-based): chr7:137,015,725, C>G. VCF-style: chr7-137015725-C-G. GRCh37 (hg19) VCF-style: chr7-136700472-C-G.
Other names: c.860C>G, p.Thr287Ser (NM_000739.3, NM_001006626.3, NM_001006627.3 and 6 more transcripts); short protein forms T287S.
Identifiers: ClinVar variation 228517 (VCV000228517.16), dbSNP rs138193709, ClinGen allele CA4500582.